The following is an entry in ClinVar:

ClinVar aggregate classification (germline): Likely benign. Review status: criteria provided, multiple submitters, no conflicts (2 of 4 stars). 4 submissions from 4 submitters: Likely benign (3). 1 of the submissions does not count toward it. Last evaluated 2026-01-21.

Conditions:
MYH7B-related disorder. Also called: MYH7B-related condition.

Allele frequency attached by ClinVar (database versions not stated): 1000 Genomes Project 30x 0.00156; 1000 Genomes Project 0.00160; ExAC 0.00457; gnomAD exomes 0.00476 and 0.00830; gnomAD 0.00549 and 0.00563; TOPMed 0.00560; ESP Exome Variant Server 0.00673.
gnomAD v4.1: 12,673 of 1,599,642 alleles (0.79%); highest among the groups gnomAD compares: Non-Finnish European, 1%; 63 homozygotes.

Submissions (4):

Labcorp Genetics (formerly Invitae), Labcorp
Classification: Likely benign. Last evaluated: 2026-01-21. Review status: criteria provided, single submitter. Criteria: Invitae Variant Classification Sherloc (09022015). Collection method: clinical testing. Allele origin: germline.

CeGaT Center for Human Genetics Tuebingen
Classification: Likely benign. Last evaluated: 2023-03-01. Review status: criteria provided, single submitter. Criteria: CeGaT Center For Human Genetics Tuebingen Variant Classification Criteria Version 2. Collection method: clinical testing. Allele origin: germline. Affected: yes. Observed: 2 variant alleles.
Comment: MYH7B: BS2

Breakthrough Genomics
Classification: Likely benign. Review status: criteria provided, single submitter. Criteria: ACMG Guidelines, 2015. Collection method: not provided. Allele origin: germline. Inheritance: Unknown mechanism. Affected: yes.

PreventionGenetics, part of Exact Sciences
Classification: Likely benign for MYH7B-related condition. Last evaluated: 2023-12-04. Review status: no assertion criteria provided. Collection method: clinical testing. Allele origin: germline. Not counted in ClinVar's aggregate classification.
Comment: This variant is classified as likely benign based on ACMG/AMP sequence variant interpretation guidelines (Richards et al. 2015 PMID: 25741868, with internal and published modifications).

NM_020884.7(MYH7B):c.4871A>T (p.Lys1624Met)

Gene: MYH7B (myosin heavy chain 7B; plus strand). Cytogenetic location: 20q11.22.
Variant type: single nucleotide variant.
Coding change: c.4871A>T on transcript NM_020884.7 (MANE Select); coding-DNA position 4871, A replaced by T.
Protein change: p.Lys1624Met; replaces lysine 1624 with methionine.
Molecular consequence: missense variant.
Genome position (GRCh38, 1-based): chr20:35,000,382, A>T. VCF-style: chr20-35000382-A-T. GRCh37 (hg19) VCF-style: chr20-33588185-A-T.
Other names: short protein forms K1624M.
Identifiers: ClinVar variation 708627 (VCV000708627.35), dbSNP rs61746253, ClinGen allele CA9828360.